The following is an entry in ClinVar:

NM_005002.5(NDUFA9):c.395G>A (p.Arg132Gln)

Gene: NDUFA9 (NADH:ubiquinone oxidoreductase subunit A9; plus strand). Cytogenetic location: 12p13.32.
Variant type: single nucleotide variant.
Coding change: c.395G>A on transcript NM_005002.5 (MANE Select); coding-DNA position 395, G replaced by A.
Protein change: p.Arg132Gln; replaces arginine 132 with glutamine.
Molecular consequence: missense variant.
Genome position (GRCh38, 1-based): chr12:4,657,824, G>A. VCF-style: chr12-4657824-G-A. GRCh37 (hg19) VCF-style: chr12-4766990-G-A.
Other names: short protein forms R132Q.
Identifiers: ClinVar variation 1714276 (VCV001714276.6), dbSNP rs2498074003, ClinGen allele CA383449881.

ClinVar aggregate classification (germline): Uncertain significance (1 of 4 stars; one submission).

Allele frequency attached by ClinVar (database versions not stated): gnomAD exomes below 0.00001.
gnomAD v4.1: 5 of 1,612,742 alleles (0.00031%); highest among the groups gnomAD compares: South Asian, 0.0022%; no homozygotes.

Submission:

Labcorp Genetics (formerly Invitae), Labcorp
Classification: Uncertain significance. Last evaluated: 2025-03-16. Review status: criteria provided, single submitter. Criteria: Invitae Variant Classification Sherloc (09022015). Collection method: clinical testing. Allele origin: germline.
Comment: This sequence change replaces arginine, which is basic and polar, with glutamine, which is neutral and polar, at codon 132 of the NDUFA9 protein (p.Arg132Gln). This variant is not present in population databases (gnomAD no frequency). This variant has not been reported in the literature in individuals affected with NDUFA9-related conditions. ClinVar contains an entry for this variant (Variation ID: 1714276). An algorithm developed to predict the effect of missense changes on protein structure and function (PolyPhen-2) suggests that this variant is likely to be tolerated. In summary, the available evidence is currently insufficient to determine the role of this variant in disease. Therefore, it has been classified as a Variant of Uncertain Significance.